The following is an entry in ClinVar:

NM_182961.4(SYNE1):c.18824C>T (p.Pro6275Leu)

Gene: SYNE1 (spectrin repeat containing nuclear envelope protein 1; minus strand). Cytogenetic location: 6q25.2.
Variant type: single nucleotide variant.
Coding change: c.18824C>T on transcript NM_182961.4 (MANE Select); coding-DNA position 18824, C replaced by T.
Protein change: p.Pro6275Leu; replaces proline 6275 with leucine.
Molecular consequence: missense variant.
Genome position (GRCh38, 1-based): chr6:152,262,180, G>A on the plus strand (C>T on the coding strand, the complement: SYNE1 is on the minus strand). VCF-style: chr6-152262180-G-A. GRCh37 (hg19) VCF-style: chr6-152583315-G-A.
Other names: c.18611C>T, p.Pro6204Leu (NM_033071.5); short protein forms P6204L, P6275L.
Identifiers: ClinVar variation 937543 (VCV000937543.9), dbSNP rs2092093757, ClinGen allele CA366090623.

ClinVar aggregate classification (germline): Uncertain significance (1 of 4 stars; one submission).

Conditions:
Emery-Dreifuss muscular dystrophy 4, autosomal dominant (EDMD4). Also called: EMERY-DREIFUSS MUSCULAR DYSTROPHY 4 WITH VARIABLE FEATURES. Identifiers: Orphanet 261, MedGen C2751807, MONDO:0013071, OMIM 612998.
Autosomal recessive ataxia, Beauce type. Also called: Spinocerebellar ataxia, autosomal recessive 8; ATAXIA, RECESSIVE, OF BEAUCE; SYNE1-Related Autosomal Recessive Cerebellar Ataxia; SYNE1 Deficiency. Identifiers: Orphanet 88644, MedGen C1853116, MONDO:0012549, OMIM 610743.

Submission:

Labcorp Genetics (formerly Invitae), Labcorp
Classification: Uncertain significance for Emery-Dreifuss muscular dystrophy 4, autosomal dominant; Autosomal recessive ataxia, Beauce type. Last evaluated: 2019-06-07. Review status: criteria provided, single submitter. Criteria: Invitae Variant Classification Sherloc (09022015). Collection method: clinical testing. Allele origin: germline.
Comment: In summary, the available evidence is currently insufficient to determine the role of this variant in disease. Therefore, it has been classified as a Variant of Uncertain Significance. Algorithms developed to predict the effect of missense changes on protein structure and function are either unavailable or do not agree on the potential impact of this missense change (SIFT: "Deleterious"; PolyPhen-2: "Benign"; Align-GVGD: "Class C0"). This variant has not been reported in the literature in individuals with SYNE1-related conditions. This variant is not present in population databases (ExAC no frequency). This sequence change replaces proline with leucine at codon 6204 of the SYNE1 protein (p.Pro6204Leu). The proline residue is highly conserved and there is a moderate physicochemical difference between proline and leucine.